The following is an entry in ClinVar:

ClinVar aggregate classification (germline): Likely benign (1 of 4 stars; one submission).

Submission:

CeGaT Center for Human Genetics Tuebingen
Classification: Likely benign. Last evaluated: 2022-10-01. Review status: criteria provided, single submitter. Criteria: CeGaT Center For Human Genetics Tuebingen Variant Classification Criteria Version 2. Collection method: clinical testing. Allele origin: germline. Affected: yes. Observed: 1 variant allele.
Comment: ASAP3: PM2:Supporting, BP4, BP7

NM_017707.4(ASAP3):c.1458G>T (p.Leu486=)

Gene: ASAP3 (ArfGAP with SH3 domain, ankyrin repeat and PH domain 3; minus strand). Cytogenetic location: 1p36.12.
Variant type: single nucleotide variant.
Coding change: c.1458G>T on transcript NM_017707.4 (MANE Select); coding-DNA position 1458, G replaced by T.
Protein change: p.Leu486=; no amino-acid change (leucine 486 retained).
Molecular consequence: synonymous variant.
Genome position (GRCh38, 1-based): chr1:23,436,929, C>A on the plus strand (G>T on the coding strand, the complement: ASAP3 is on the minus strand). VCF-style: chr1-23436929-C-A. GRCh37 (hg19) VCF-style: chr1-23763422-C-A.
Other names: c.1431G>T, p.Leu477= (NM_001143778.2).
Identifiers: ClinVar variation 2638484 (VCV002638484.24), dbSNP rs2522344988, ClinGen allele CA416689152.
Genomic context (GRCh38, chr1:23,436,929, plus strand): 5'-AACTCCGCTTCTGGCCCCTTCCAGGCCCCGCCCCGCCCTCACCAACAACTCGGAGGGGCC[C>A]AGCAGGTCCAAGGTGAGTGACTGCATGCGCGAAAAGCGCACGCCCAGTTCGCGGTGGACG-3'
Protein context (NP_060177.2, residues 476-496): SRMQSLTLDL[Leu486=]GPSELLLALN